The following is an entry in ClinVar:

ClinVar aggregate classification (germline): Uncertain significance. Review status: criteria provided, multiple submitters, no conflicts (2 of 4 stars). 2 submissions from 2 submitters: Uncertain significance (2). Last evaluated 2025-08-31.

Conditions:
Inborn genetic diseases. Identifiers: MedGen C0950123, MeSH D030342.

Allele frequency attached by ClinVar (database versions not stated): gnomAD exomes below 0.00001 and 0.00001.
gnomAD v4.1: 3 of 1,585,108 alleles (0.00019%); highest among the groups gnomAD compares: South Asian, 0.0012%; no homozygotes.

Submissions (2):

Ambry Genetics
Classification: Uncertain significance for Inborn genetic diseases. Last evaluated: 2025-08-31. Review status: criteria provided, single submitter. Criteria: Ambry Variant Classification Scheme 2023. Collection method: clinical testing. Allele origin: germline.

Labcorp Genetics (formerly Invitae), Labcorp
Classification: Uncertain significance. Last evaluated: 2022-07-14. Review status: criteria provided, single submitter. Criteria: Invitae Variant Classification Sherloc (09022015). Collection method: clinical testing. Allele origin: germline.
Comment: This sequence change replaces asparagine, which is neutral and polar, with serine, which is neutral and polar, at codon 1426 of the MYO18B protein (p.Asn1426Ser). The frequency data for this variant in the population databases is considered unreliable, as metrics indicate poor data quality at this position in the gnomAD database. This variant has not been reported in the literature in individuals affected with MYO18B-related conditions. ClinVar contains an entry for this variant (Variation ID: 1426107). Algorithms developed to predict the effect of missense changes on protein structure and function output the following: SIFT: "Not Available"; PolyPhen-2: "Benign"; Align-GVGD: "Not Available". The serine amino acid residue is found in multiple mammalian species, which suggests that this missense change does not adversely affect protein function. In summary, the available evidence is currently insufficient to determine the role of this variant in disease. Therefore, it has been classified as a Variant of Uncertain Significance.

NM_032608.7(MYO18B):c.4277A>G (p.Asn1426Ser)

Gene: MYO18B (myosin XVIIIB; plus strand). Cytogenetic location: 22q12.1.
Variant type: single nucleotide variant.
Coding change: c.4277A>G on transcript NM_032608.7 (MANE Select); coding-DNA position 4277, A replaced by G.
Protein change: p.Asn1426Ser; replaces asparagine 1426 with serine.
Molecular consequence: missense variant.
Genome position (GRCh38, 1-based): chr22:25,878,011, A>G. VCF-style: chr22-25878011-A-G. GRCh37 (hg19) VCF-style: chr22-26273978-A-G.
Other names: c.4277A>G (NM_032608.5); c.4280A>G, p.Asn1427Ser (NM_001318245.2); short protein forms N1426S, N1427S.
Identifiers: ClinVar variation 1426107 (VCV001426107.7), dbSNP rs747051051, ClinGen allele CA10160825.